The following is an entry in ClinVar:

ClinVar aggregate classification (germline): Uncertain significance (1 of 4 stars; one submission).

Conditions:
Familial adenomatous polyposis 2. Also called: FAP type 2; COLORECTAL ADENOMATOUS POLYPOSIS, AUTOSOMAL RECESSIVE; ADENOMAS, MULTIPLE COLORECTAL, AUTOSOMAL RECESSIVE; MYH-associated polyposis; MUTYH Polyposis; Adenomas, multiple colorectal. Identifiers: Orphanet 220460, Orphanet 247798, MedGen C3272841, MONDO:0012041, OMIM 608456.

Submission:

Labcorp Genetics (formerly Invitae), Labcorp
Classification: Uncertain significance for Familial adenomatous polyposis 2. Last evaluated: 2025-06-20. Review status: criteria provided, single submitter. Criteria: Invitae Variant Classification Sherloc (09022015). Collection method: clinical testing. Allele origin: germline.
Comment: This sequence change falls in intron 8 of the MUTYH gene. It does not directly change the encoded amino acid sequence of the MUTYH protein. It affects a nucleotide within the consensus splice site. This variant is not present in population databases (gnomAD no frequency). This variant has not been reported in the literature in individuals affected with MUTYH-related conditions. Variants that disrupt the consensus splice site are a relatively common cause of aberrant splicing (PMID: 17576681, 9536098). Algorithms developed to predict the effect of sequence changes on RNA splicing suggest that this variant is not likely to affect RNA splicing. In summary, the available evidence is currently insufficient to determine the role of this variant in disease. Therefore, it has been classified as a Variant of Uncertain Significance.

Literature cited by the submitters: PubMed 17576681; PubMed 9536098.

NM_001048174.2(MUTYH):c.606+5T>C

Gene: MUTYH (mutY DNA glycosylase; minus strand). Cytogenetic location: 1p34.1.
Variant type: single nucleotide variant.
Coding change: c.606+5T>C on transcript NM_001048174.2 (MANE Select); 5 bases into the intron after coding-DNA position 606, T replaced by C.
Molecular consequence: intron variant.
Genome position (GRCh38, 1-based): chr1:45,332,569, A>G on the plus strand (T>C on the coding strand, the complement: MUTYH is on the minus strand). VCF-style: chr1-45332569-A-G. GRCh37 (hg19) VCF-style: chr1-45798241-A-G.
Other names: c.606+5T>C (NM_001407072.1, NM_001407073.1, NM_001048171.2 and 6 more transcripts); c.261+5T>C (NM_001350651.2, NM_001350650.2, NM_001407082.1); c.330+5T>C (NM_001293192.2, NM_001293196.2, NM_001407091.1); c.651+5T>C (NM_001293190.2); c.639+5T>C (NM_001407069.1, NM_001407077.1, NM_001293191.2); c.681+5T>C (NM_012222.3); c.690+5T>C (NM_001128425.2); c.609+5T>C (NM_001407071.1, NM_001048172.2, NM_001407078.1 and 1 more transcripts); and 5 more.
Identifiers: ClinVar variation 4721772 (VCV004721772.1).
Genomic context (GRCh38, chr1:45,332,569, plus strand): 5'-AGTTAGCCTGGGCTGGGAGGAAGGAGGCTGGGCACGCACAAAGTGGGGGTGGGCTGTGAG[A>G]TCACCTGGCCAAAGGCGATAGAGGCAATGGCCCCAGCTGTGTAGCGCCCCACGCCAGGCA-3'